The following is an entry in ClinVar:

NM_000493.4(COL10A1):c.719C>T (p.Pro240Leu)

Genes: COL10A1 (collagen type X alpha 1 chain; minus strand), NT5DC1 (5'-nucleotidase domain containing 1; plus strand). Cytogenetic location: 6q22.1.
Variant type: single nucleotide variant.
Coding change: c.719C>T on transcript NM_000493.4 (MANE Select); coding-DNA position 719, C replaced by T.
Protein change: p.Pro240Leu; replaces proline 240 with leucine.
Molecular consequence: missense variant. On other transcripts: intron variant (1).
Genome position (GRCh38, 1-based): chr6:116,121,397, G>A on the plus strand (C>T on the coding strand, the complement: COL10A1 is on the minus strand). VCF-style: chr6-116121397-G-A. GRCh37 (hg19) VCF-style: chr6-116442560-G-A.
Other names: c.719C>T, p.Pro240Leu (NM_001424106.1, NM_001424107.1); c.529+3452G>A (NM_152729.3); short protein forms P240L.
Identifiers: ClinVar variation 4695947 (VCV004695947.1).

ClinVar aggregate classification (germline): Uncertain significance (1 of 4 stars; one submission).

gnomAD v4.1: 18 of 1,613,896 alleles (0.0011%); highest among the groups gnomAD compares: Middle Eastern, 0.033%; no homozygotes.

Submission:

Labcorp Genetics (formerly Invitae), Labcorp
Classification: Uncertain significance. Last evaluated: 2025-04-07. Review status: criteria provided, single submitter. Criteria: Invitae Variant Classification Sherloc (09022015). Collection method: clinical testing. Allele origin: germline.
Comment: This sequence change replaces proline, which is neutral and non-polar, with leucine, which is neutral and non-polar, at codon 240 of the COL10A1 protein (p.Pro240Leu). This variant is present in population databases (no rsID available, gnomAD 0.01%). This variant has not been reported in the literature in individuals affected with COL10A1-related conditions. Invitae Evidence Modeling of protein sequence and biophysical properties (such as structural, functional, and spatial information, amino acid conservation, physicochemical variation, residue mobility, and thermodynamic stability) has been performed for this missense variant. However, the output from this modeling did not meet the statistical confidence thresholds required to predict the impact of this variant on COL10A1 protein function. In summary, the available evidence is currently insufficient to determine the role of this variant in disease. Therefore, it has been classified as a Variant of Uncertain Significance.